The following is an entry in ClinVar:

NM_001134363.3(RBM20):c.609G>T (p.Met203Ile)

Gene: RBM20 (RNA binding motif protein 20; plus strand). Cytogenetic location: 10q25.2.
Variant type: single nucleotide variant.
Coding change: c.609G>T on transcript NM_001134363.3 (MANE Select); coding-DNA position 609, G replaced by T.
Protein change: p.Met203Ile; replaces methionine 203 with isoleucine.
Molecular consequence: missense variant.
Genome position (GRCh38, 1-based): chr10:110,781,218, G>T. VCF-style: chr10-110781218-G-T. GRCh37 (hg19) VCF-style: chr10-112540976-G-T.
Other names: short protein forms M203I.
Identifiers: ClinVar variation 3636959 (VCV003636959.2).

ClinVar aggregate classification (germline): Uncertain significance (1 of 4 stars; one submission).

Conditions:
Dilated cardiomyopathy 1DD (CMD1DD). Identifiers: Orphanet 154, MedGen C2750995, MONDO:0013168, OMIM 613172.

Submission:

Labcorp Genetics (formerly Invitae), Labcorp
Classification: Uncertain significance for Dilated cardiomyopathy 1DD. Last evaluated: 2024-11-23. Review status: criteria provided, single submitter. Criteria: Invitae Variant Classification Sherloc (09022015). Collection method: clinical testing. Allele origin: germline.
Comment: This sequence change replaces methionine, which is neutral and non-polar, with isoleucine, which is neutral and non-polar, at codon 203 of the RBM20 protein (p.Met203Ile). This variant is not present in population databases (gnomAD no frequency). This variant has not been reported in the literature in individuals affected with RBM20-related conditions. Invitae Evidence Modeling of protein sequence and biophysical properties (such as structural, functional, and spatial information, amino acid conservation, physicochemical variation, residue mobility, and thermodynamic stability) indicates that this missense variant is not expected to disrupt RBM20 protein function with a negative predictive value of 95%. In summary, the available evidence is currently insufficient to determine the role of this variant in disease. Therefore, it has been classified as a Variant of Uncertain Significance.